The following is an entry in ClinVar:

ClinVar aggregate classification (germline): Benign/Likely benign. Review status: criteria provided, multiple submitters, no conflicts (2 of 4 stars). 2 submissions from 2 submitters: Benign (1); Likely benign (1). Last evaluated 2026-05-01.

Allele frequency attached by ClinVar (database versions not stated): ExAC 0.00005; gnomAD exomes 0.00007 and 0.00035; gnomAD 0.00050 and 0.00051; 1000 Genomes Project 0.00053; TOPMed 0.00054; 1000 Genomes Project 30x 0.00062.
gnomAD v4.1: 127 of 1,209,631 alleles (0.01%); highest among the groups gnomAD compares: Admixed American, 0.27%; no homozygotes.

Submissions (2):

CeGaT Center for Human Genetics Tuebingen
Classification: Likely benign. Last evaluated: 2026-05-01. Review status: criteria provided, single submitter. Criteria: CeGaT Center For Human Genetics Tuebingen Variant Classification Criteria Version 2. Collection method: clinical testing. Allele origin: germline. Affected: yes. Observed: 3 variant alleles.
Comment: EIF2S3: BS2

Labcorp Genetics (formerly Invitae), Labcorp
Classification: Benign. Last evaluated: 2019-12-31. Review status: criteria provided, single submitter. Criteria: Invitae Variant Classification Sherloc (09022015). Collection method: clinical testing. Allele origin: germline.

NM_001415.4(EIF2S3):c.1314A>G (p.Gly438=)

Gene: EIF2S3 (eukaryotic translation initiation factor 2 subunit gamma; plus strand). Cytogenetic location: Xp22.11.
Variant type: single nucleotide variant.
Coding change: c.1314A>G on transcript NM_001415.4 (MANE Select); coding-DNA position 1314, A replaced by G.
Protein change: p.Gly438=; no amino-acid change (glycine 438 retained).
Molecular consequence: synonymous variant.
Genome position (GRCh38, 1-based): chrX:24,073,222, A>G. VCF-style: chrX-24073222-A-G. GRCh37 (hg19) VCF-style: chrX-24091339-A-G.
Identifiers: ClinVar variation 748808 (VCV000748808.10), dbSNP rs189562663, ClinGen allele CA10370885.
Genomic context (GRCh38, chrX:24,073,222, plus strand): 5'-TGCTGTCAAGGCCGATTTGGGTAAAATTGTTTTGACCAATCCAGTGTGCACAGAGGTAGG[A>G]GAAAAAATTGCCCTTAGCCGAAGAGTTGAAAAACACTGGCGGTAAGTTTGTTAGTCTTTG-3'
Protein context (NP_001406.1, residues 428-448): VLTNPVCTEV[Gly438=]EKIALSRRVE